The following is an entry in ClinVar:

ClinVar aggregate classification (germline): Uncertain significance (1 of 4 stars; one submission).

Conditions:
Neurofibromatosis, type 1 (NF1). Also called: NEUROFIBROMATOSIS, TYPE I, SOMATIC; Neurofibromatosis, type I; VON RECKLINGHAUSEN DISEASE; Peripheral type neurofibromatosis. Identifiers: Orphanet 636, MedGen C0027831, MONDO:0018975, OMIM 162200. Disease mechanism: loss of function.

Submission:

Labcorp Genetics (formerly Invitae), Labcorp
Classification: Uncertain significance for Neurofibromatosis, type 1. Last evaluated: 2026-01-26. Review status: criteria provided, single submitter. Criteria: Invitae Variant Classification Sherloc (09022015). Collection method: clinical testing. Allele origin: germline.
Comment: This sequence change replaces serine, which is neutral and polar, with threonine, which is neutral and polar, at codon 1159 of the NF1 protein (p.Ser1159Thr). This variant is not present in population databases (gnomAD no frequency). This variant has not been reported in the literature in individuals affected with NF1-related conditions. ClinVar contains an entry for this variant (Variation ID: 1494415). Invitae Evidence Modeling of protein sequence and biophysical properties (such as structural, functional, and spatial information, amino acid conservation, physicochemical variation, residue mobility, and thermodynamic stability) indicates that this missense variant is expected to disrupt NF1 protein function with a positive predictive value of 95%. In summary, the available evidence is currently insufficient to determine the role of this variant in disease. Therefore, it has been classified as a Variant of Uncertain Significance.

NM_001042492.3(NF1):c.3476G>C (p.Ser1159Thr)

Gene: NF1 (neurofibromin 1; plus strand). Cytogenetic location: 17q11.2.
Variant type: single nucleotide variant.
Coding change: c.3476G>C on transcript NM_001042492.3 (MANE Select); coding-DNA position 3476, G replaced by C.
Protein change: p.Ser1159Thr; replaces serine 1159 with threonine.
Molecular consequence: missense variant.
Genome position (GRCh38, 1-based): chr17:31,232,861, G>C. VCF-style: chr17-31232861-G-C. GRCh37 (hg19) VCF-style: chr17-29559879-G-C.
Other names: c.3476G>C, p.Ser1159Thr (NM_000267.4); short protein forms S1159T.
Identifiers: ClinVar variation 1494415 (VCV001494415.8), dbSNP rs2151434835, ClinGen allele CA398989419.
Genomic context (GRCh38, chr17:31,232,861, plus strand): 5'-CATCACTGAGGCACTGTACGGTCCTTGCAATGTCAAACTTACTCAATGCCAACGTAGACA[G>C]TGGTCTCATGCACTCCATAGGTGAGATCAAATGAAAGTTTCATATAGAAATACAAAACCT-3'
Protein context (NP_001035957.1, residues 1149-1169): MSNLLNANVD[Ser1159Thr]GLMHSIGLGY